The following is an entry in ClinVar:

ClinVar aggregate classification (germline): Uncertain significance (1 of 4 stars; one submission).

Conditions:
Hereditary cancer-predisposing syndrome. Also called: Neoplastic Syndromes, Hereditary; Tumor predisposition; Hereditary Cancer Syndrome; Hereditary neoplastic syndrome. Identifiers: Orphanet 140162, MedGen C0027672, MeSH D009386, MONDO:0015356.

gnomAD v4.1: 5 of 1,611,754 alleles (0.00031%); highest among the groups gnomAD compares: South Asian, 0.0044%; no homozygotes.

Submission:

Ambry Genetics
Classification: Uncertain significance for Hereditary cancer-predisposing syndrome. Last evaluated: 2024-10-08. Review status: criteria provided, single submitter. Criteria: Ambry Variant Classification Scheme 2023. Collection method: clinical testing. Allele origin: germline.
Comment: The p.Y1155H variant (also known as c.3463T>C), located in coding exon 22 of the RAD50 gene, results from a T to C substitution at nucleotide position 3463. The tyrosine at codon 1155 is replaced by histidine, an amino acid with similar properties. This amino acid position is conserved. In addition, this alteration is predicted to be deleterious by in silico analysis. Based on the available evidence, the clinical significance of this variant remains unclear.

NM_005732.4(RAD50):c.3463T>C (p.Tyr1155His)

Genes: TH2-LCR (Th2 cytokine locus control region; plus strand), RAD50 (RAD50 double strand break repair protein; plus strand), TH2LCRR (T helper type 2 locus control region associated RNA; minus strand). Cytogenetic location: 5q31.1.
Variant type: single nucleotide variant.
Coding change: c.3463T>C on transcript NM_005732.4 (MANE Select); coding-DNA position 3463, T replaced by C.
Protein change: p.Tyr1155His; replaces tyrosine 1155 with histidine.
Molecular consequence: missense variant.
Genome position (GRCh38, 1-based): chr5:132,637,188, T>C. VCF-style: chr5-132637188-T-C. GRCh37 (hg19) VCF-style: chr5-131972880-T-C.
Other names: short protein forms Y1155H.
Identifiers: ClinVar variation 3429505 (VCV003429505.1).
Genomic context (GRCh38, chr5:132,637,188, plus strand): 5'-TTTCACAGTATGAAAATGGAAGAAATCAATAAAATTATACGTGACCTGTGGCGAAGTACC[T>C]ATCGTGGACAAGGTGAGTACCATGGTGTATCACAAATGCTCTTTCCAAAGCCCTCTCCGC-3'
Protein context (NP_005723.2, residues 1145-1165): KIIRDLWRST[Tyr1155His]RGQDIEYIEI